The following is an entry in ClinVar:

ClinVar aggregate classification (germline): Uncertain significance. Review status: criteria provided, multiple submitters, no conflicts (2 of 4 stars). 2 submissions from 2 submitters: Uncertain significance (2). Last evaluated 2022-08-31.

Allele frequency attached by ClinVar (database versions not stated): gnomAD exomes below 0.00001; gnomAD 0.00001; TOPMed 0.00001.
gnomAD v4.1: 2 of 1,613,756 alleles (0.00012%); highest among the groups gnomAD compares: Admixed American, 0.0017%; no homozygotes.

Submissions (2):

Labcorp Genetics (formerly Invitae), Labcorp
Classification: Uncertain significance. Last evaluated: 2022-08-31. Review status: criteria provided, single submitter. Criteria: Invitae Variant Classification Sherloc (09022015). Collection method: clinical testing. Allele origin: germline.
Comment: This sequence change replaces methionine, which is neutral and non-polar, with threonine, which is neutral and polar, at codon 558 of the ADAMTS18 protein (p.Met558Thr). This variant is present in population databases (no rsID available, gnomAD 0.003%). This variant has not been reported in the literature in individuals affected with ADAMTS18-related conditions. Algorithms developed to predict the effect of missense changes on protein structure and function are either unavailable or do not agree on the potential impact of this missense change (SIFT: "Not Available"; PolyPhen-2: "Benign"; Align-GVGD: "Not Available"). In summary, the available evidence is currently insufficient to determine the role of this variant in disease. Therefore, it has been classified as a Variant of Uncertain Significance.

Blueprint Genetics
Classification: Uncertain significance. Last evaluated: 2019-02-21. Review status: criteria provided, single submitter. Criteria: ACMG Guidelines, 2015. Collection method: clinical testing. Allele origin: germline.

NM_199355.4(ADAMTS18):c.1673T>C (p.Met558Thr)

Gene: ADAMTS18 (ADAM metallopeptidase with thrombospondin type 1 motif 18; minus strand). Cytogenetic location: 16q23.1.
Variant type: single nucleotide variant.
Coding change: c.1673T>C on transcript NM_199355.4 (MANE Select); coding-DNA position 1673, T replaced by C.
Protein change: p.Met558Thr; replaces methionine 558 with threonine.
Molecular consequence: missense variant.
Genome position (GRCh38, 1-based): chr16:77,341,741, A>G on the plus strand (T>C on the coding strand, the complement: ADAMTS18 is on the minus strand). VCF-style: chr16-77341741-A-G. GRCh37 (hg19) VCF-style: chr16-77375638-A-G.
Other names: c.1157T>C, p.Met386Thr (NM_001326358.2); short protein forms M386T, M558T.
Identifiers: ClinVar variation 2096096 (VCV002096096.5), dbSNP rs1035235647, ClinGen allele CA284414977.